The following is an entry in ClinVar:

NM_001127222.2(CACNA1A):c.680T>G (p.Leu227Arg)

Gene: CACNA1A (calcium voltage-gated channel subunit alpha1 A; minus strand). Cytogenetic location: 19p13.13.
Variant type: single nucleotide variant.
Coding change: c.680T>G on transcript NM_001127222.2 (MANE Select); coding-DNA position 680, T replaced by G.
Protein change: p.Leu227Arg; replaces leucine 227 with arginine.
Molecular consequence: missense variant.
Genome position (GRCh38, 1-based): chr19:13,365,421, A>C on the plus strand (T>G on the coding strand, the complement: CACNA1A is on the minus strand). VCF-style: chr19-13365421-A-C. GRCh37 (hg19) VCF-style: chr19-13476235-A-C.
Other names: c.680T>G, p.Leu227Arg (NM_000068.4, NM_001127221.2, NM_001174080.2 and 1 more transcripts); short protein forms L227R.
Identifiers: ClinVar variation 386109 (VCV000386109.46), dbSNP rs1057522420, ClinGen allele CA16608957.

ClinVar aggregate classification (germline): Conflicting classifications of pathogenicity. Review status: criteria provided, conflicting classifications (1 of 4 stars). 3 submissions from 3 submitters: Likely pathogenic (2); Uncertain significance (1). Last evaluated 2019-05-01.

Conditions:
Spinocerebellar ataxia type 6 (SCA6). Identifiers: Orphanet 98758, MedGen C0752124, MONDO:0008457, OMIM 183086.

Submissions (3):

CeGaT Center for Human Genetics Tuebingen
Classification: Likely pathogenic. Last evaluated: 2019-05-01. Review status: criteria provided, single submitter. Criteria: CeGaT Center For Human Genetics Tuebingen Variant Classification Criteria Version 2. Collection method: clinical testing. Allele origin: germline. Affected: yes. Observed: 3 variant alleles.

Baylor Genetics
Classification: Likely pathogenic for Spinocerebellar ataxia type 6. Last evaluated: 2018-05-15. Review status: criteria provided, single submitter. Criteria: ACMG Guidelines, 2015. Collection method: clinical testing. Allele origin: de novo. Affected: yes.
Comment: This variant was determined to be likely pathogenic according to ACMG Guidelines, 2015 [PMID:25741868].

GeneDx
Classification: Uncertain significance. Last evaluated: 2018-01-30. Review status: criteria provided, single submitter. Criteria: GeneDx Variant Classification (06012015). Collection method: clinical testing. Allele origin: germline. Affected: yes.
Comment: A variant of uncertain significance has been identified in the CACNA1A gene. The L227R variant has not been published as a pathogenic variant, nor has it been reported as a benign variant to our knowledge. It was not observed in approximately 6,000 individuals of European and African American ancestry in the NHLBI Exome Sequencing Project, indicating it is not a common benign variant in these populations. The L227R variant is a non-conservative amino acid substitution, which is likely to impact secondary protein structure as these residues differ in polarity, charge, size and/or other properties. This substitution occurs at a position that is conserved across species and in silico analysis predicts this variant is probably damaging to the protein structure/function. Based on the currently available information, it is unclear whether this variant is a pathogenic variant or a rare benign variant.